The following is an entry in ClinVar:

NM_053025.4(MYLK):c.5727GGAAGA[3] (p.Glu1913_Glu1914dup)

Genes: MYLK (myosin light chain kinase; minus strand), MYLK-AS1 (MYLK antisense RNA 1; plus strand). Cytogenetic location: 3q21.1.
Variant type: Microsatellite.
Coding change: c.5727GGAAGA[3] on transcript NM_053025.4 (MANE Select); three copies in a row of the 6-base unit GGAAGA starting at c.5727; the reference has two copies in a row; one copy, 6 bases duplicated.
Protein change: p.Glu1913_Glu1914dup.
Molecular consequence: inframe insertion.
Genome position (GRCh38, 1-based): chr3:123,614,112-123,614,117, TCTTCC duplicated on the plus strand (GGAAGA on the coding strand, the reverse complement: MYLK is on the minus strand); duplicating any 6 consecutive bases within chr3:123,614,112-123,614,123 gives the same sequence; the position shown is the placement nearest the transcript's 3' end. VCF-style (leftmost placement, unchanged base first): chr3-123614111-T-TTCTTCC. GRCh37 (hg19) VCF-style: chr3-123332958-T-TTCTTCC.
Other names: c.5199GGAAGA[3], p.Glu1737_Glu1738dup (NM_001321309.2); c.5520GGAAGA[3], p.Glu1844_Glu1845dup (NM_053026.4); c.5574GGAAGA[3], p.Glu1862_Glu1863dup (NM_053027.4); c.5367GGAAGA[3], p.Glu1793_Glu1794dup (NM_053028.4); c.444GGAAGA[3], p.Glu152_Glu153dup (NM_053031.4); c.447GGAAGA[3], p.Glu153_Glu154dup (NM_053032.4).
Identifiers: ClinVar variation 661165 (VCV000661165.7), dbSNP rs1576282420, ClinGen allele CA915941553.

ClinVar aggregate classification (germline): Uncertain significance (1 of 4 stars; one submission).

Conditions:
Aortic aneurysm, familial thoracic 7 (AAT7). Also called: AORTIC DISSECTION, FAMILIAL, WITH OR WITHOUT AORTIC ANEURYSM. Identifiers: MedGen C3151077, MONDO:0013418, OMIM 613780.

Submission:

Labcorp Genetics (formerly Invitae), Labcorp
Classification: Uncertain significance for Aortic aneurysm, familial thoracic 7. Last evaluated: 2018-09-11. Review status: criteria provided, single submitter. Criteria: Invitae Variant Classification Sherloc (09022015). Collection method: clinical testing. Allele origin: germline.
Comment: This sequence change results in a frameshift in the MYLK gene (p.*1915Gluext*2). While this is not anticipated to result in nonsense mediated decay, it is expected to disrupt the last 2 amino acids of the MYLK protein and extend the protein by an additional 2 amino acids. This variant is not present in population databases (ExAC no frequency). This variant has not been reported in the literature in individuals with MYLK-related disease. Experimental studies and prediction algorithms are not available for this variant, and the functional significance of the affected amino acid(s) is currently unknown. In summary, the available evidence is currently insufficient to determine the role of this variant in disease. Therefore, it has been classified as a Variant of Uncertain Significance.